The following is an entry in ClinVar:

NM_001367561.1(DOCK7):c.2927C>T (p.Thr976Met)

Gene: DOCK7 (dedicator of cytokinesis 7; minus strand). Cytogenetic location: 1p31.3.
Variant type: single nucleotide variant.
Coding change: c.2927C>T on transcript NM_001367561.1 (MANE Select); coding-DNA position 2927, C replaced by T.
Protein change: p.Thr976Met; replaces threonine 976 with methionine.
Molecular consequence: missense variant.
Genome position (GRCh38, 1-based): chr1:62,543,678, G>A on the plus strand (C>T on the coding strand, the complement: DOCK7 is on the minus strand). VCF-style: chr1-62543678-G-A. GRCh37 (hg19) VCF-style: chr1-63009349-G-A.
Other names: c.2927C>T, p.Thr976Met (NM_001271999.2, NM_001330614.2); c.2834C>T, p.Thr945Met (NM_001272000.2, NM_001272001.2, NM_033407.4); short protein forms T945M, T976M.
Identifiers: ClinVar variation 1708574 (VCV001708574.2), dbSNP rs780945471, ClinGen allele CA886138.

ClinVar aggregate classification (germline): Uncertain significance (1 of 4 stars; one submission).

Allele frequency attached by ClinVar (database versions not stated): ExAC 0.00002; gnomAD 0.00002.
gnomAD v4.1: 21 of 1,602,204 alleles (0.0013%); highest among the groups gnomAD compares: Middle Eastern, 0.017%; no homozygotes.

Submission:

GeneDx
Classification: Uncertain significance. Last evaluated: 2022-04-06. Review status: criteria provided, single submitter. Criteria: GeneDx Variant Classification Process June 2021. Collection method: clinical testing. Allele origin: germline. Affected: yes.
Comment: Not observed at significant frequency in large population cohorts (gnomAD); In silico analysis supports that this missense variant does not alter protein structure/function; Has not been previously published as pathogenic or benign to our knowledge